The following is an entry in ClinVar:

ClinVar aggregate classification (germline): Likely pathogenic (1 of 4 stars; one submission).

Conditions:
Bernard Soulier syndrome (BSS). Also called: Platelet Glycoprotein 1b, Deficiency of; BLEEDING DISORDER, PLATELET-TYPE, 1; PLATELET GLYCOPROTEIN Ib DEFICIENCY; VON WILLEBRAND FACTOR RECEPTOR DEFICIENCY; Giant platelet syndrome; Hemorrhagiparous thrombocytic dystrophy. Identifiers: Orphanet 274, MedGen C0005129, MeSH D001606, MONDO:0009276, OMIM 231200.

Submission:

Genetics and Molecular Pathology, SA Pathology
Classification: Likely pathogenic for Bernard Soulier syndrome. Last evaluated: 2023-05-26. Review status: criteria provided, single submitter. Criteria: ACMG Guidelines, 2015. Collection method: clinical testing. Allele origin: germline. Affected: yes.
Comment: The GP1BB c.240_246dup variant is classified as Likely Pathogenic (PVS1, PM2) This GP1BB c.240_246dup variant is located in exon 2/2 and is predicted to cause a shift in the reading frame at codon 83 (PVS1). This variant is absent from population databases (PM2). This variant has not been reported in dbSNP, ClinVar or HGMD.

NM_000407.5(GP1BB):c.240_246dup (p.Thr83fs)

Genes: GP1BB (glycoprotein Ib platelet subunit beta; plus strand), SEPT5-GP1BB (SEPT5-GP1BB readthrough; plus strand). Cytogenetic location: 22q11.21.
Variant type: Duplication.
Coding change: c.240_246dup on transcript NM_000407.5 (MANE Select); coding-DNA positions 240 to 246, 7 bases duplicated (GCTGCGC; older notation c.240_246dupGCTGCGC).
Protein change: p.Thr83fs; shifts the reading frame from threonine 83.
Molecular consequence: frameshift variant. On other transcripts: non-coding transcript variant (2).
Genome position (GRCh38, 1-based): chr22:19,724,083-19,724,089, GCTGCGC duplicated; duplicating any 7 consecutive bases within chr22:19,724,080-19,724,089 gives the same sequence; the c. name uses the placement nearest the transcript's 3' end. VCF-style (leftmost placement, unchanged base first): chr22-19724079-C-CCGCGCTG. GRCh37 (hg19) VCF-style: chr22-19711602-C-CCGCGCTG.
Other names: c.240_246dupGCTGCGC (NM_000407.5); short protein forms T83fs.
Identifiers: ClinVar variation 2664802 (VCV002664802.1), dbSNP rs2517804907, ClinGen allele CA2580060409.